The following is an entry in ClinVar:

ClinVar aggregate classification (germline): Uncertain significance. Review status: criteria provided, multiple submitters, no conflicts (2 of 4 stars). 3 submissions from 3 submitters: Uncertain significance (3). Last evaluated 2026-04-21.

Conditions:
Inborn genetic diseases. Identifiers: MedGen C0950123, MeSH D030342.

Allele frequency attached by ClinVar (database versions not stated): ExAC 0.00002.
gnomAD v4.1: 90 of 1,613,604 alleles (0.0056%); highest among the groups gnomAD compares: Non-Finnish European, 0.0067%; no homozygotes.

Submissions (3):

GeneDx
Classification: Uncertain significance. Last evaluated: 2026-04-21. Review status: criteria provided, single submitter. Criteria: GeneDx Variant Classification Process June 2021. Collection method: clinical testing. Allele origin: germline.
Comment: Alters the last nucleotide of the exon and is predicted to destroy the splice donor site and result in aberrant splicing, although in the absence of functional evidence the actual effect of this sequence change is unknown; Has not been previously published as pathogenic or benign to our knowledge

Blueprint Genetics
Classification: Uncertain significance. Last evaluated: 2024-02-26. Review status: criteria provided, single submitter. Criteria: ACMG Guidelines, 2015. Collection method: clinical testing. Allele origin: germline.

Ambry Genetics
Classification: Uncertain significance for Inborn genetic diseases. Last evaluated: 2022-08-29. Review status: criteria provided, single submitter. Criteria: Ambry Variant Classification Scheme 2023. Collection method: clinical testing. Allele origin: germline.
Comment: Occurs in the last base pair of the exon Based on insufficient or conflicting evidence, the clinical significance of this alteration remains unclear.

NM_000110.4(DPYD):c.1524G>A (p.Gln508=)

Gene: DPYD (dihydropyrimidine dehydrogenase; minus strand). Cytogenetic location: 1p21.3.
Variant type: single nucleotide variant.
Coding change: c.1524G>A on transcript NM_000110.4 (MANE Select); coding-DNA position 1524, G replaced by A.
Protein change: p.Gln508=; no amino-acid change (glutamine 508 retained).
Molecular consequence: synonymous variant.
Genome position (GRCh38, 1-based): chr1:97,549,560, C>T on the plus strand (G>A on the coding strand, the complement: DPYD is on the minus strand). VCF-style: chr1-97549560-C-T. GRCh37 (hg19) VCF-style: chr1-98015116-C-T.
Identifiers: ClinVar variation 2391206 (VCV002391206.4), dbSNP rs775930761, ClinGen allele CA963329.